The following is an entry in ClinVar:

NM_001384732.1(CPLANE1):c.9043C>G (p.Arg3015Gly)

Gene: CPLANE1 (ciliogenesis and planar polarity effector complex subunit 1; minus strand). Cytogenetic location: 5p13.2.
Variant type: single nucleotide variant.
Coding change: c.9043C>G on transcript NM_001384732.1 (MANE Select); coding-DNA position 9043, C replaced by G.
Protein change: p.Arg3015Gly; replaces arginine 3015 with glycine.
Molecular consequence: missense variant.
Genome position (GRCh38, 1-based): chr5:37,121,759, G>C on the plus strand (C>G on the coding strand, the complement: CPLANE1 is on the minus strand). VCF-style: chr5-37121759-G-C. GRCh37 (hg19) VCF-style: chr5-37121861-G-C.
Other names: c.8881C>G, p.Arg2961Gly (NM_023073.4); short protein forms R3015G, R2961G.
Identifiers: ClinVar variation 1486884 (VCV001486884.8), dbSNP rs138862600, ClinGen allele CA359496088.

ClinVar aggregate classification (germline): Uncertain significance (1 of 4 stars; one submission).

gnomAD v4.1: 1 of 1,613,912 alleles (0.000062%); highest among the groups gnomAD compares: Non-Finnish European, 0.000085%; no homozygotes.

Submission:

Labcorp Genetics (formerly Invitae), Labcorp
Classification: Uncertain significance. Last evaluated: 2021-04-28. Review status: criteria provided, single submitter. Criteria: Invitae Variant Classification Sherloc (09022015). Collection method: clinical testing. Allele origin: germline.
Comment: This variant has not been reported in the literature in individuals with CPLANE1-related conditions. In summary, the available evidence is currently insufficient to determine the role of this variant in disease. Therefore, it has been classified as a Variant of Uncertain Significance. Advanced modeling of protein sequence and biophysical properties (such as structural, functional, and spatial information, amino acid conservation, physicochemical variation, residue mobility, and thermodynamic stability) performed at Invitae indicates that this missense variant is not expected to disrupt CPLANE1 protein function. This variant is not present in population databases (ExAC no frequency). This sequence change replaces arginine with glycine at codon 2961 of the CPLANE1 protein (p.Arg2961Gly). The arginine residue is moderately conserved and there is a moderate physicochemical difference between arginine and glycine.